The following is an entry in ClinVar:

NM_001042492.3(NF1):c.6986A>T (p.Asn2329Ile)

Gene: NF1 (neurofibromin 1; plus strand). Cytogenetic location: 17q11.2.
Variant type: single nucleotide variant.
Coding change: c.6986A>T on transcript NM_001042492.3 (MANE Select); coding-DNA position 6986, A replaced by T.
Protein change: p.Asn2329Ile; replaces asparagine 2329 with isoleucine.
Molecular consequence: missense variant.
Genome position (GRCh38, 1-based): chr17:31,340,569, A>T. VCF-style: chr17-31340569-A-T. GRCh37 (hg19) VCF-style: chr17-29667587-A-T.
Other names: c.6923A>T, p.Asn2308Ile (NM_000267.4); short protein forms N2308I, N2329I.
Identifiers: ClinVar variation 4860889 (VCV004860889.1).
Genomic context (GRCh38, chr17:31,340,569, plus strand): 5'-CGCCTCTGCACAAAGCCCTCTTTTGGGTAGCTGTGGCTGTGCTGCAGCTTGATGAGGTCA[A>T]CTTGTATTCAGCAGGTACCGCACTTCTTGAACAAAACCTGCATACTTTAGATAGTCTCCG-3'
Protein context (NP_001035957.1, residues 2319-2339): AVAVLQLDEV[Asn2329Ile]LYSAGTALLE

ClinVar aggregate classification (germline): Uncertain significance (1 of 4 stars; one submission).

Conditions:
Cardiovascular phenotype. Identifiers: MedGen CN230736.
Hereditary cancer-predisposing syndrome. Also called: Neoplastic Syndromes, Hereditary; Tumor predisposition; Hereditary Cancer Syndrome; Hereditary neoplastic syndrome. Identifiers: Orphanet 140162, MedGen C0027672, MeSH D009386, MONDO:0015356.

Submission:

Ambry Genetics
Classification: Uncertain significance for Cardiovascular phenotype; Hereditary cancer-predisposing syndrome. Last evaluated: 2026-04-02. Review status: criteria provided, single submitter. Criteria: Ambry Variant Classification Scheme 2023. Collection method: clinical testing. Allele origin: germline.
Comment: The p.N2308I variant (also known as c.6923A>T), located in coding exon 46 of the NF1 gene, results from an A to T substitution at nucleotide position 6923. The asparagine at codon 2308 is replaced by isoleucine, an amino acid with dissimilar properties. This amino acid position is well conserved in available vertebrate species. In addition, this alteration is predicted to be tolerated by in silico analysis. Based on the available evidence, the clinical significance of this variant remains unclear.